The following is an entry in ClinVar:

ClinVar aggregate classification (germline): Likely benign (1 of 4 stars; one submission).

Allele frequency attached by ClinVar (database versions not stated): gnomAD 0.00001; TOPMed 0.00002; ExAC 0.00006.
gnomAD v4.1: 8 of 1,525,170 alleles (0.00052%); highest among the groups gnomAD compares: Admixed American, 0.0021%; no homozygotes.

Submission:

CeGaT Center for Human Genetics Tuebingen
Classification: Likely benign. Last evaluated: 2022-04-01. Review status: criteria provided, single submitter. Criteria: CeGaT Center For Human Genetics Tuebingen Variant Classification Criteria Version 2. Collection method: clinical testing. Allele origin: germline. Affected: yes. Observed: 1 variant allele.
Comment: NBEAL2: BP4, BP7

NM_015175.3(NBEAL2):c.5058C>G (p.Pro1686=)

Gene: NBEAL2 (neurobeachin like 2; plus strand). Cytogenetic location: 3p21.31.
Variant type: single nucleotide variant.
Coding change: c.5058C>G on transcript NM_015175.3 (MANE Select); coding-DNA position 5058, C replaced by G.
Protein change: p.Pro1686=; no amino-acid change (proline 1686 retained).
Molecular consequence: synonymous variant.
Genome position (GRCh38, 1-based): chr3:47,002,195, C>G. VCF-style: chr3-47002195-C-G. GRCh37 (hg19) VCF-style: chr3-47043685-C-G.
Other names: c.4956C>G, p.Pro1652= (NM_001365116.2).
Identifiers: ClinVar variation 2653738 (VCV002653738.24), dbSNP rs754716966, ClinGen allele CA2361418.